The following is an entry in ClinVar:

NM_020923.3(ZDBF2):c.1538T>C (p.Val513Ala)

Gene: ZDBF2 (zinc finger DBF-type containing 2; plus strand). Cytogenetic location: 2q33.3.
Variant type: single nucleotide variant.
Coding change: c.1538T>C on transcript NM_020923.3 (MANE Select); coding-DNA position 1538, T replaced by C.
Protein change: p.Val513Ala; replaces valine 513 with alanine.
Molecular consequence: missense variant.
Genome position (GRCh38, 1-based): chr2:206,306,066, T>C. VCF-style: chr2-206306066-T-C. GRCh37 (hg19) VCF-style: chr2-207170790-T-C.
Other names: c.1532T>C, p.Val511Ala (NM_001285549.2); c.1538T>C, p.Val513Ala (NM_001369654.1); short protein forms V511A, V513A.
Identifiers: ClinVar variation 4807135 (VCV004807135.1).

ClinVar aggregate classification (germline): Uncertain significance (1 of 4 stars; one submission).

gnomAD v4.1: 1 of 1,613,840 alleles (0.000062%); highest among the groups gnomAD compares: African/African-American, 0.0013%; no homozygotes.

Submission:

Labcorp Genetics (formerly Invitae), Labcorp
Classification: Uncertain significance. Last evaluated: 2025-02-19. Review status: criteria provided, single submitter. Criteria: Invitae Variant Classification Sherloc (09022015). Collection method: clinical testing. Allele origin: germline.
Comment: This sequence change replaces valine, which is neutral and non-polar, with alanine, which is neutral and non-polar, at codon 513 of the ZDBF2 protein (p.Val513Ala). This variant is not present in population databases (gnomAD no frequency). This variant has not been reported in the literature in individuals affected with ZDBF2-related conditions. An algorithm developed to predict the effect of missense changes on protein structure and function outputs the following: PolyPhen-2: "Possibly Damaging". The alanine amino acid residue is found in multiple mammalian species, which suggests that this missense change does not adversely affect protein function. In summary, the available evidence is currently insufficient to determine the role of this variant in disease. Therefore, it has been classified as a Variant of Uncertain Significance.